The following continues an entry in ClinVar:

NM_000535.7(PMS2):c.538-2A>G

Gene: PMS2. ClinVar aggregate classification (germline): Pathogenic/Likely pathogenic. Pathogenic (3); Likely pathogenic (10).

Submissions 8 to 15 of 15:

Sema4
Classification: Likely pathogenic for Hereditary cancer-predisposing syndrome. Last evaluated: 2022-02-17. Review status: criteria provided, single submitter. Criteria: Sema4 Curation Guidelines. Collection method: curation. Allele origin: germline.
Comment: The PMS2 c.538-2A>G variant has been reported in at least three colorectal cancer patients with suspected Lynch syndrome (PMID: 28449805, 28640387, 31101557, 1992580), including in two patients with a tumor exhibiting loss of PMS2 expression (PMID: 28640387, 31101557). This variant affects a nucleotide within a consensus splice site of an intron and may cause exon skipping, intron retention or use of a cryptic splice site. At this position, this alteration typically lead to a loss of protein function (PMID: 16199547). Loss of function of the PMS2 gene is an established disease mechanism (PMID: 21376568, 24362816). This variant was observed in 3/34592 chromosomes in the Latino population according to the Genome Aggregation Database (PMID: 32461654) and has been reported in ClinVar (Variation ID: 411028). Based on the current evidence available, this variant is interpreted as likely pathogenic.

Genetics and Genomic Medicine Centre, NeuroGen Healthcare, NeuroGen Healthcare
Classification: Likely pathogenic for Mismatch repair cancer syndrome 4. Last evaluated: 2021-11-17. Review status: criteria provided, single submitter. Criteria: Submitter's publication. Collection method: clinical testing. Allele origin: unknown. Affected: no.

Baylor Genetics
Classification: Likely pathogenic for Lynch syndrome 4. Last evaluated: 2021-10-18. Review status: criteria provided, single submitter. Criteria: ACMG Guidelines, 2015. Collection method: clinical testing. Allele origin: unknown.

Women's Health and Genetics/Laboratory Corporation of America, LabCorp
Classification: Likely pathogenic for Lynch syndrome. Last evaluated: 2020-04-10. Review status: criteria provided, single submitter. Criteria: LabCorp Variant Classification Summary - May 2015. Collection method: clinical testing. Allele origin: germline.
Comment: Variant summary: PMS2 c.538-2A>G is located in a canonical splice-site and is predicted to affect mRNA splicing resulting in a significantly altered protein due to either exon skipping, shortening, or inclusion of intronic material. Several computational tools predict a significant impact on normal splicing: Four predict the variant abolishes a 3 acceptor site. However, these predictions have yet to be confirmed by functional studies. The variant allele was found at a frequency of 1.2e-05 in 251470 control chromosomes (gnomAD). c.538-2A>G has been reported in the literature in individuals affected with Lynch syndrome and colorectal cancer (Sunga_2017, Ricker_2017, Mork_2019). These data indicate that the variant may be associated with disease. To our knowledge, no experimental evidence demonstrating an impact on protein function has been reported. Five ClinVar submitters (evaluation after 2014) cite the variant as pathogenic (2x) and likely pathogenic (3x). Based on the evidence outlined above, the variant was classified as likely pathogenic.

Laboratory for Molecular Medicine, Mass General Brigham Personalized Medicine
Classification: Likely pathogenic for Lynch syndrome. Last evaluated: 2017-12-27. Review status: criteria provided, single submitter. Criteria: LMM Criteria. Collection method: clinical testing. Allele origin: germline. Inheritance: Autosomal dominant inheritance. Observed: 1 variant allele.
Comment: The c.538-2A>G variant in PMS2 has been reported in at least 1 Hispanic individu al with PMS2-associated cancer and absence of PMS2 staining via IHC in their tum or sample (Sunga 2017, Ricker 2017). It has also been identified in 3/33582 of L atino chromosomes by the Genome Aggregation Database (gnomAD; dbSNP rs758304323). This frequency is low enough to be consiste nt with the frequency of Lynch syndrome in the general population. This variant occurs in the invariant region (+/- 1,2) of the splice consensus sequence and is predicted to cause altered splicing leading to an abnormal or absent protein. A nother variant (c.538-3C>G) impacting the same splice region was shown to result in two aberrant RNA transcripts (in-frame skipping of exon 6 and a 49-bp deleti on producing a frameshift) in an affected carrier (Borras 2013). Furthermore, a large deletion resulting in the in-frame loss of exon 6 was classified as pathog enic on September 5, 2013 by the ClinGen-approved InSiGHT expert panel (ClinVar SCV000108368.2). In summary, although additional studies are required to fully e stablish its clinical significance, the c.538-2A>G variant is likely pathogenic. ACMG/AMP Criteria applied: PM4, PM5, PP3, PP4.

Juno Genomics, Hangzhou Juno Genomics, Inc
Classification: Likely pathogenic for Lynch syndrome 4; Mismatch repair cancer syndrome 4. Review status: criteria provided, single submitter. Criteria: ACMG Guidelines, 2015. Collection method: clinical testing. Allele origin: germline.
Comment: Absent from controls (or at extremely low frequency if recessive) in Genome Aggregation Database.;Null variant in a gene where loss of function (LOF) is a known mechanism of disease.;The prevalence of the variant in affected individuals is significantly increased compared to the prevalence in controls.

Laboratory for Genotyping Development, RIKEN
Classification: Pathogenic for Gastric cancer. Last evaluated: 2021-07-01. Review status: no assertion criteria provided. Collection method: research. Allele origin: germline. Not counted in ClinVar's aggregate classification.

Counsyl
Classification: Pathogenic for Lynch syndrome 4. Last evaluated: 2018-05-17. Review status: no assertion criteria provided. Collection method: clinical testing. Allele origin: unknown. Not counted in ClinVar's aggregate classification.

Literature cited by the submitters: PubMed 24440087 (cited by Labcorp Genetics (formerly Invitae), Labcorp); PubMed 28449805 (cited by 5 submitters); PubMed 28640387 (cited by 7 submitters); PubMed 31101557 (cited by 5 submitters); PubMed 31992580 (cited by 4 submitters); PubMed 1992580 (cited by Sema4); PubMed 16199547 (cited by Sema4); PubMed 21376568 (cited by Sema4); PubMed 24362816 (cited by Sema4); PubMed 26247049 (cited by Laboratory for Molecular Medicine, Mass General Brigham Personalized Medicine); PubMed 23709753 (cited by Laboratory for Molecular Medicine, Mass General Brigham Personalized Medicine); PubMed 36988593 (cited by Laboratory for Genotyping Development, RIKEN).